The following is an entry in ClinVar:

NM_001122630.2(CDKN1C):c.771C>T (p.Ser257=)

Gene: CDKN1C (cyclin dependent kinase inhibitor 1C; minus strand). Cytogenetic location: 11p15.4.
Variant type: single nucleotide variant.
Coding change: c.771C>T on transcript NM_001122630.2 (MANE Select); coding-DNA position 771, C replaced by T.
Protein change: p.Ser257=; no amino-acid change (serine 257 retained).
Molecular consequence: synonymous variant. On other transcripts: intron variant (1).
Genome position (GRCh38, 1-based): chr11:2,884,686, G>A on the plus strand (C>T on the coding strand, the complement: CDKN1C is on the minus strand). VCF-style: chr11-2884686-G-A. GRCh37 (hg19) VCF-style: chr11-2905916-G-A.
Other names: c.804C>T, p.Ser268= (NM_000076.2, NM_001362474.2, LRG_533t1); c.771C>T, p.Ser257= (NM_001122631.2); c.255+516C>T (NM_001362475.2).
Identifiers: ClinVar variation 454032 (VCV000454032.33), dbSNP rs747104008, ClinGen allele CA5822167.
Genomic context (GRCh38, chr11:2,884,686, plus strand): 5'-AAGCGGGGCCGGGCCGGGCCGGGGCGGGGCCGTGCGGGGCTCACCGGAGATCAGAGGCCC[G>A]GACAGCTTCTTGATCGCCGCGCCGTTGGCGCTGGCGGCCGCGGTGCCGGCCGCGGGACGT-3'
Protein context (NP_001116102.1, residues 247-267): SANGAAIKKL[Ser257=]GPLISDFFAK

ClinVar aggregate classification (germline): Likely benign. Review status: criteria provided, multiple submitters, no conflicts (2 of 4 stars). 5 submissions from 5 submitters: Likely benign (5). Last evaluated 2026-01-05.

Conditions:
Beckwith-Wiedemann syndrome (BWS). Also called: Exomphalos macroglossia gigantism syndrome; EMG SYNDROME. Identifiers: Orphanet 116, MedGen C0004903, MONDO:0007534, OMIM 130650.

Allele frequency attached by ClinVar (database versions not stated): TOPMed 0.00005.
gnomAD v4.1: 45 of 1,466,878 alleles (0.0031%); highest among the groups gnomAD compares: Admixed American, 0.018%; no homozygotes.

Submissions (5):

Labcorp Genetics (formerly Invitae), Labcorp
Classification: Likely benign for Beckwith-Wiedemann syndrome. Last evaluated: 2026-01-05. Review status: criteria provided, single submitter. Criteria: Invitae Variant Classification Sherloc (09022015). Collection method: clinical testing. Allele origin: germline.

CeGaT Center for Human Genetics Tuebingen
Classification: Likely benign. Last evaluated: 2025-05-01. Review status: criteria provided, single submitter. Criteria: CeGaT Center For Human Genetics Tuebingen Variant Classification Criteria Version 2. Collection method: clinical testing. Allele origin: germline. Affected: yes. Observed: 3 variant alleles.
Comment: CDKN1C: BP4, BP7

Blueprint Genetics
Classification: Likely benign. Last evaluated: 2024-10-30. Review status: criteria provided, single submitter. Criteria: ACMG Guidelines, 2015. Collection method: clinical testing. Allele origin: germline.

Sema4
Classification: Likely benign for Beckwith-Wiedemann syndrome. Last evaluated: 2022-01-18. Review status: criteria provided, single submitter. Criteria: Sema4 Curation Guidelines. Collection method: curation. Allele origin: germline.

Mendelics
Classification: Likely benign for Beckwith-Wiedemann syndrome. Last evaluated: 2019-05-28. Review status: criteria provided, single submitter. Criteria: Mendelics Assertion Criteria 2017. Collection method: clinical testing. Allele origin: unknown.